The following is an entry in ClinVar:

ClinVar aggregate classification (germline): Uncertain significance. Review status: criteria provided, multiple submitters, no conflicts (2 of 4 stars). 2 submissions from 2 submitters: Uncertain significance (2). Last evaluated 2025-09-10.

Conditions:
Combined oxidative phosphorylation defect type 27. Also called: Combined oxidative phosphorylation deficiency 27. Identifiers: Orphanet 477774, MedGen C5567608, MONDO:0014728, OMIM 616672.

Allele frequency attached by ClinVar (database versions not stated): gnomAD exomes 0.00006 and 0.00023; TOPMed 0.00007; gnomAD 0.00003 and 0.00002; 1000 Genomes Project 30x 0.00031.
gnomAD v4.1: 34 of 1,495,372 alleles (0.0023%); highest among the groups gnomAD compares: Admixed American, 0.074%; no homozygotes.

Submissions (2):

Mayo Clinic Laboratories, Mayo Clinic
Classification: Uncertain significance. Last evaluated: 2025-09-10. Review status: criteria provided, single submitter. Criteria: ACMG Guidelines, 2015. Collection method: clinical testing. Allele origin: germline. Observed: 1 variant allele.
Comment: BP4_moderate

Labcorp Genetics (formerly Invitae), Labcorp
Classification: Uncertain significance for Combined oxidative phosphorylation defect type 27. Last evaluated: 2022-09-08. Review status: criteria provided, single submitter. Criteria: Invitae Variant Classification Sherloc (09022015). Collection method: clinical testing. Allele origin: germline.
Comment: This sequence change replaces arginine, which is basic and polar, with glycine, which is neutral and non-polar, at codon 32 of the CARS2 protein (p.Arg32Gly). This variant is present in population databases (no rsID available, gnomAD 0.1%). This variant has not been reported in the literature in individuals affected with CARS2-related conditions. ClinVar contains an entry for this variant (Variation ID: 579925). Algorithms developed to predict the effect of missense changes on protein structure and function (SIFT, PolyPhen-2, Align-GVGD) all suggest that this variant is likely to be tolerated. In summary, the available evidence is currently insufficient to determine the role of this variant in disease. Therefore, it has been classified as a Variant of Uncertain Significance.

NM_024537.4(CARS2):c.94C>G (p.Arg32Gly)

Genes: CARS2 (cysteinyl-tRNA synthetase 2, mitochondrial; minus strand), LOC130010127 (ATAC-STARR-seq lymphoblastoid silent region 5509; plus strand). Cytogenetic location: 13q34.
Variant type: single nucleotide variant.
Coding change: c.94C>G on transcript NM_024537.4 (MANE Select); coding-DNA position 94, C replaced by G.
Protein change: p.Arg32Gly; replaces arginine 32 with glycine.
Molecular consequence: missense variant. On other transcripts: non-coding transcript variant (1), intron variant (1).
Genome position (GRCh38, 1-based): chr13:110,706,000, G>C on the plus strand (C>G on the coding strand, the complement: CARS2 is on the minus strand). VCF-style: chr13-110706000-G-C. GRCh37 (hg19) VCF-style: chr13-111358347-G-C.
Other names: p.Arg32Gly; c.94C>G, p.Arg32Gly (NM_001352253.3); c.-776+371C>G (NM_001352252.2); short protein forms R32G.
Identifiers: ClinVar variation 579925 (VCV000579925.8), dbSNP rs924724206, ClinGen allele CA256331102.
Genomic context (GRCh38, chr13:110,706,000, plus strand): 5'-CACCCGTCTCCCGGCCCGTGGGCTGCAGCCAGGCCCGCCCGCGCCCCCCGCTCGCCGCCC[G>C]GCCCGCAGGCCAGTGCCACCCAGCCCGCCCAAGGCCCAGCGCGGCCTGGAGCAGCGGGGG-3'
Protein context (NP_078813.1, residues 22-42): GRAGWHWPAG[Arg32Gly]AASGGRGRAW